The following is an entry in ClinVar:

ClinVar aggregate classification (germline): Benign. Review status: criteria provided, multiple submitters, no conflicts (2 of 4 stars). 2 submissions from 2 submitters: Benign (2). Last evaluated 2018-01-12.

Conditions:
Familial cold autoinflammatory syndrome 2 (FCAS2). Identifiers: Orphanet 247868, MedGen C2673198, MONDO:0012724, OMIM 611762.

Allele frequency attached by ClinVar (database versions not stated): gnomAD 0.00025 and 0.00026; 1000 Genomes Project 0.00040; TOPMed 0.00043; 1000 Genomes Project 30x 0.00047.
gnomAD v4.1: 91 of 611,680 alleles (0.015%); highest among the groups gnomAD compares: Middle Eastern, 0.18%; no homozygotes.

Submissions (2):

Illumina Laboratory Services, Illumina
Classification: Benign for Familial cold autoinflammatory syndrome 2. Last evaluated: 2018-01-12. Review status: criteria provided, single submitter. Criteria: ICSL Variant Classification Criteria 13 December 2019. Collection method: clinical testing. Allele origin: germline.
Comment: This variant was observed in the ICSL laboratory as part of a predisposition screen in an ostensibly healthy population. It had not been previously curated by ICSL or reported in the Human Gene Mutation Database (HGMD: prior to June 1st, 2018), and was therefore a candidate for classification through an automated scoring system. Utilizing variant allele frequency, disease prevalence and penetrance estimates, and inheritance mode, an automated score was calculated to assess if this variant is too frequent to cause the disease. Based on the score and internal cut-off values, a variant classified as benign is not then subjected to further curation. The score for this variant resulted in a classification of benign for this disease.

Breakthrough Genomics
Classification: Benign. Review status: criteria provided, single submitter. Criteria: ACMG Guidelines, 2015. Collection method: not provided. Allele origin: germline. Inheritance: Autosomal dominant inheritance. Affected: yes.

NM_144687.4(NLRP12):c.*229G>A

Gene: NLRP12 (NLR family pyrin domain containing 12; minus strand). Cytogenetic location: 19q13.42.
Variant type: single nucleotide variant.
Coding change: c.*229G>A on transcript NM_144687.4 (MANE Select); 229 bases downstream of the stop codon, G replaced by A.
Molecular consequence: 3 prime UTR variant.
Genome position (GRCh38, 1-based): chr19:53,793,820, C>T on the plus strand (G>A on the coding strand, the complement: NLRP12 is on the minus strand). VCF-style: chr19-53793820-C-T. GRCh37 (hg19) VCF-style: chr19-54297074-C-T.
Other names: c.*229G>A (NM_001277126.2, NM_001277129.1).
Identifiers: ClinVar variation 894482 (VCV000894482.5), dbSNP rs188195272, ClinGen allele CA310109342.